The following is an entry in ClinVar:

NM_032228.6(FAR1):c.539C>G (p.Ser180Cys)

Gene: FAR1 (fatty acyl-CoA reductase 1; plus strand). Cytogenetic location: 11p15.3.
Variant type: single nucleotide variant.
Coding change: c.539C>G on transcript NM_032228.6 (MANE Select); coding-DNA position 539, C replaced by G.
Protein change: p.Ser180Cys; replaces serine 180 with cysteine.
Molecular consequence: missense variant.
Genome position (GRCh38, 1-based): chr11:13,708,073, C>G. VCF-style: chr11-13708073-C-G. GRCh37 (hg19) VCF-style: chr11-13729620-C-G.
Other names: short protein forms S180C.
Identifiers: ClinVar variation 1482100 (VCV001482100.8), dbSNP rs2134189384, ClinGen allele CA379857115.

ClinVar aggregate classification (germline): Uncertain significance (1 of 4 stars; one submission).

gnomAD v4.1: 1 of 1,578,736 alleles (0.000063%); no homozygotes.

Submission:

Labcorp Genetics (formerly Invitae), Labcorp
Classification: Uncertain significance. Last evaluated: 2023-08-03. Review status: criteria provided, single submitter. Criteria: Invitae Variant Classification Sherloc (09022015). Collection method: clinical testing. Allele origin: germline.
Comment: In summary, the available evidence is currently insufficient to determine the role of this variant in disease. Therefore, it has been classified as a Variant of Uncertain Significance. Advanced modeling of protein sequence and biophysical properties (such as structural, functional, and spatial information, amino acid conservation, physicochemical variation, residue mobility, and thermodynamic stability) performed at Invitae indicates that this missense variant is not expected to disrupt FAR1 protein function. ClinVar contains an entry for this variant (Variation ID: 1482100). This variant has not been reported in the literature in individuals affected with FAR1-related conditions. This variant is not present in population databases (gnomAD no frequency). This sequence change replaces serine, which is neutral and polar, with cysteine, which is neutral and slightly polar, at codon 180 of the FAR1 protein (p.Ser180Cys).